The following is an entry in ClinVar:

ClinVar aggregate classification (germline): Uncertain significance (1 of 4 stars; one submission).

Conditions:
Hereditary sensory and autonomic neuropathy type 6. Also called: HSAN VI; Neuropathy, hereditary sensory and autonomic, type VI. Identifiers: Orphanet 314381, MedGen C3539003, MONDO:0013839, OMIM 614653.
Epidermolysis bullosa simplex 3, localized or generalized intermediate, with BP230 deficiency (EBS3). Also called: Epidermolysis bullosa simplex due to BP230 deficiency; Epidermolysis bullosa simplex, autosomal recessive 2. Identifiers: Orphanet 412181, MedGen C3809470, MONDO:0014180, OMIM 615425.

Allele frequency attached by ClinVar (database versions not stated): TOPMed below 0.00001.
gnomAD v4.1: 3 of 1,608,580 alleles (0.00019%); highest among the groups gnomAD compares: Non-Finnish European, 0.00025%; no homozygotes.

Submission:

Labcorp Genetics (formerly Invitae), Labcorp
Classification: Uncertain significance for Epidermolysis bullosa simplex 3, localized or generalized intermediate, with BP230 deficiency; Hereditary sensory and autonomic neuropathy type 6. Last evaluated: 2021-04-13. Review status: criteria provided, single submitter. Criteria: Invitae Variant Classification Sherloc (09022015). Collection method: clinical testing. Allele origin: germline.
Comment: This sequence change replaces isoleucine with serine at codon 2181 of the DST protein (p.Ile2181Ser). The isoleucine residue is highly conserved and there is a large physicochemical difference between isoleucine and serine. This variant is not present in population databases (ExAC no frequency). In summary, the available evidence is currently insufficient to determine the role of this variant in disease. Therefore, it has been classified as a Variant of Uncertain Significance. Algorithms developed to predict the effect of missense changes on protein structure and function (SIFT, PolyPhen-2, Align-GVGD) all suggest that this variant is likely to be disruptive, but these predictions have not been confirmed by published functional studies and their clinical significance is uncertain. This variant has not been reported in the literature in individuals with DST-related conditions.

NM_001723.7(DST):c.6542T>G (p.Ile2181Ser)

Gene: DST (dystonin; minus strand). Cytogenetic location: 6p12.1.
Variant type: single nucleotide variant.
Coding change: c.6542T>G on transcript NM_001723.7 (MANE Plus Clinical); coding-DNA position 6542, T replaced by G.
Protein change: p.Ile2181Ser; replaces isoleucine 2181 with serine.
Molecular consequence: missense variant. On other transcripts: intron variant (10).
Genome position (GRCh38, 1-based): chr6:56,616,925, A>C on the plus strand (T>G on the coding strand, the complement: DST is on the minus strand). VCF-style: chr6-56616925-A-C. GRCh37 (hg19) VCF-style: chr6-56481723-A-C.
Other names: c.4831-2441T>G (NM_001144769.5); c.4930-2441T>G (NM_001374722.1, NM_001374736.1); c.4957-2441T>G (NM_001374734.1); c.4417-2441T>G (NM_001144770.2); c.4297-2441T>G (NM_001374730.1, NM_001386100.1, NM_183380.4 and 1 more transcripts); c.3319-2441T>G (NM_015548.5); short protein forms I2181S.
Identifiers: ClinVar variation 1387343 (VCV001387343.8), dbSNP rs754557564, ClinGen allele CA364564921.